The following is an entry in ClinVar:

ClinVar aggregate classification (germline): Pathogenic. Review status: criteria provided, multiple submitters, no conflicts (2 of 4 stars). 2 submissions from 2 submitters: Pathogenic (2). Last evaluated 2023-07-24.

Conditions:
Marfan syndrome (MFS). Also called: MARFAN SYNDROME, TYPE I; FBN1-Related Marfan Syndrome; Marfan syndrome, classic; Marfan syndrome type 1; Marfan's syndrome. Identifiers: Orphanet 284963, Orphanet 558, MedGen C0024796, MONDO:0007947, OMIM 154700.
Familial thoracic aortic aneurysm and aortic dissection (TAAD). Also called: Thoracic aortic aneurysms and dissections. Identifiers: Orphanet 91387, MedGen C4707243, MONDO:0019625.

Submissions (2):

Labcorp Genetics (formerly Invitae), Labcorp
Classification: Pathogenic for Marfan syndrome; Familial thoracic aortic aneurysm and aortic dissection. Last evaluated: 2023-07-24. Review status: criteria provided, single submitter. Criteria: Invitae Variant Classification Sherloc (09022015). Collection method: clinical testing. Allele origin: germline.
Comment: For these reasons, this variant has been classified as Pathogenic. Algorithms developed to predict the effect of sequence changes on RNA splicing suggest that this variant may disrupt the consensus splice site. ClinVar contains an entry for this variant (Variation ID: 264076). This variant has not been reported in the literature in individuals affected with FBN1-related conditions. This variant is not present in population databases (gnomAD no frequency). This sequence change creates a premature translational stop signal (p.Glu281Valfs*7) in the FBN1 gene. It is expected to result in an absent or disrupted protein product. Loss-of-function variants in FBN1 are known to be pathogenic (PMID: 17657824, 19293843).

Ambry Genetics
Classification: Pathogenic for Familial thoracic aortic aneurysm and aortic dissection. Last evaluated: 2015-06-03. Review status: criteria provided, single submitter. Criteria: Ambry Variant Classification Scheme 2023. Collection method: clinical testing. Allele origin: germline.
Comment: The c.841_842insT pathogenic mutation, located in coding exon 7 of the FBN1 gene, results from an insertion of one nucleotide at position 841, causing a translational frameshift with a predicted alternate stop codon (p.Glu281Valfs*7). Since frameshifts are typically deleterious in nature, this alteration is interpreted as a disease-causing mutation (ACMG Recommendations for Standards for Interpretation and Reporting of Sequence Variations. Revision 2007. Genet Med. 2008;10:294).

Literature cited by the submitters: PubMed 17657824 (cited by Labcorp Genetics (formerly Invitae), Labcorp); PubMed 19293843 (cited by Labcorp Genetics (formerly Invitae), Labcorp).

NM_000138.5(FBN1):c.841_842insT (p.Glu281fs)

Gene: FBN1 (fibrillin 1; minus strand). Cytogenetic location: 15q21.1.
Variant type: Insertion.
Coding change: c.841_842insT on transcript NM_000138.5 (MANE Select); coding-DNA positions 841 to 842, T inserted.
Protein change: p.Glu281fs; shifts the reading frame from glutamic acid 281.
Molecular consequence: frameshift variant.
Genome position: GRCh38 VCF-style: chr15-48534100-T-TA. GRCh37 (hg19) VCF-style: chr15-48826297-T-TA.
Other names: short protein forms E281fs.
Identifiers: ClinVar variation 264076 (VCV000264076.8), dbSNP rs886039034, ClinGen allele CA10587859.